The following is an entry in ClinVar:

ClinVar aggregate classification (germline): Uncertain significance (1 of 4 stars; one submission).

Allele frequency attached by ClinVar (database versions not stated): gnomAD exomes below 0.00001 and 0.00001; ExAC 0.00001; TOPMed 0.00002.
gnomAD v4.1: 14 of 1,614,198 alleles (0.00087%); highest among the groups gnomAD compares: South Asian, 0.0022%; no homozygotes.

Submission:

Labcorp Genetics (formerly Invitae), Labcorp
Classification: Uncertain significance. Last evaluated: 2022-09-27. Review status: criteria provided, single submitter. Criteria: Invitae Variant Classification Sherloc (09022015). Collection method: clinical testing. Allele origin: germline.
Comment: In summary, the available evidence is currently insufficient to determine the role of this variant in disease. Therefore, it has been classified as a Variant of Uncertain Significance. Experimental studies and prediction algorithms are not available or were not evaluated, and the functional significance of this variant is currently unknown. ClinVar contains an entry for this variant (Variation ID: 1430886). This variant has not been reported in the literature in individuals affected with RUSC2-related conditions. This variant is present in population databases (rs770766752, gnomAD 0.003%). This sequence change creates a premature translational stop signal (p.Arg1475*) in the RUSC2 gene. While this is not anticipated to result in nonsense mediated decay, it is expected to disrupt the last 42 amino acid(s) of the RUSC2 protein.

NM_014806.5(RUSC2):c.4423C>T (p.Arg1475Ter)

Gene: RUSC2 (RUN and SH3 domain containing 2; plus strand). Cytogenetic location: 9p13.3.
Variant type: single nucleotide variant.
Coding change: c.4423C>T on transcript NM_014806.5 (MANE Select); coding-DNA position 4423, C replaced by T.
Protein change: p.Arg1475Ter; replaces arginine 1475 with a stop codon.
Molecular consequence: nonsense. On other transcripts: non-coding transcript variant (1).
Genome position (GRCh38, 1-based): chr9:35,561,254, C>T. VCF-style: chr9-35561254-C-T. GRCh37 (hg19) VCF-style: chr9-35561251-C-T.
Other names: c.4423C>T, p.Arg1475Ter (NM_001135999.2); c.1789C>T, p.Arg597Ter (NM_001330740.2); short protein forms R1475*, R597*.
Identifiers: ClinVar variation 1430886 (VCV001430886.4), dbSNP rs770766752, ClinGen allele CA5044400.